The following is an entry in ClinVar:

NM_006946.4(SPTBN2):c.6109C>T (p.Arg2037Cys)

Gene: SPTBN2 (spectrin beta, non-erythrocytic 2; minus strand). Cytogenetic location: 11q13.2.
Variant type: single nucleotide variant.
Coding change: c.6109C>T on transcript NM_006946.4 (MANE Select); coding-DNA position 6109, C replaced by T.
Protein change: p.Arg2037Cys; replaces arginine 2037 with cysteine.
Molecular consequence: missense variant.
Genome position (GRCh38, 1-based): chr11:66,688,775, G>A on the plus strand (C>T on the coding strand, the complement: SPTBN2 is on the minus strand). VCF-style: chr11-66688775-G-A. GRCh37 (hg19) VCF-style: chr11-66456246-G-A.
Other names: short protein forms R2037C.
Identifiers: ClinVar variation 585097 (VCV000585097.6), dbSNP rs200529832, ClinGen allele CA6128049.

ClinVar aggregate classification (germline): Likely benign (1 of 4 stars; one submission).

Conditions:
Spinocerebellar ataxia type 5 (SCA5). Identifiers: Orphanet 98766, MedGen C0752123, MONDO:0010848, OMIM 600224.
Autosomal recessive spinocerebellar ataxia 14. Also called: CEREBELLAR ATAXIA, AUTOSOMAL RECESSIVE, SPECTRIN-ASSOCIATED, 1. Identifiers: Orphanet 352403, MedGen C4706415, MONDO:0014159, OMIM 615386.

Allele frequency attached by ClinVar (database versions not stated): ExAC 0.00001; gnomAD exomes 0.00001; TOPMed 0.00001.
gnomAD v4.1: 18 of 1,613,188 alleles (0.0011%); highest among the groups gnomAD compares: East Asian, 0.0022%; no homozygotes.

Submission:

Labcorp Genetics (formerly Invitae), Labcorp
Classification: Likely benign. Last evaluated: 2024-08-30. Review status: criteria provided, single submitter. Criteria: Invitae Variant Classification Sherloc (09022015). Collection method: clinical testing. Allele origin: germline.